The following is an entry in ClinVar:

ClinVar aggregate classification (germline): Likely benign (0 of 4 stars; one submission).

Conditions:
RSPO4-related disorder. Also called: RSPO4-related condition.

Allele frequency attached by ClinVar (database versions not stated): gnomAD exomes 0.00005; ExAC 0.00024; gnomAD 0.00067; ESP Exome Variant Server 0.00073; TOPMed 0.00074; 1000 Genomes Project 0.00100; 1000 Genomes Project 30x 0.00109.
gnomAD v4.1: 182 of 1,614,176 alleles (0.011%); highest among the groups gnomAD compares: African/African-American, 0.2%; no homozygotes.

Submission:

PreventionGenetics, part of Exact Sciences
Classification: Likely benign for RSPO4-related condition. Last evaluated: 2019-09-05. Review status: no assertion criteria provided. Collection method: clinical testing. Allele origin: germline.
Comment: This variant is classified as likely benign based on ACMG/AMP sequence variant interpretation guidelines (Richards et al. 2015 PMID: 25741868, with internal and published modifications).

NM_001029871.4(RSPO4):c.360C>T (p.Pro120=)

Gene: RSPO4 (R-spondin 4; minus strand). Cytogenetic location: 20p13.
Variant type: single nucleotide variant.
Coding change: c.360C>T on transcript NM_001029871.4 (MANE Select); coding-DNA position 360, C replaced by T.
Protein change: p.Pro120=; no amino-acid change (proline 120 retained).
Molecular consequence: synonymous variant.
Genome position (GRCh38, 1-based): chr20:967,223, G>A on the plus strand (C>T on the coding strand, the complement: RSPO4 is on the minus strand). VCF-style: chr20-967223-G-A. GRCh37 (hg19) VCF-style: chr20-947866-G-A.
Other names: c.360C>T, p.Pro120= (NM_001040007.3).
Identifiers: ClinVar variation 3053701 (VCV003053701.2), dbSNP rs199861662, ClinGen allele CA9725678.